The following is an entry in ClinVar:

ClinVar aggregate classification (germline): Uncertain significance. Review status: criteria provided, multiple submitters, no conflicts (2 of 4 stars). 5 submissions from 5 submitters: Uncertain significance (5). Last evaluated 2025-08-05.

Conditions:
Familial cancer of breast. Also called: BREAST CANCER, FAMILIAL; hereditary breast carcinoma; Hereditary breast cancer. Identifiers: Orphanet 227535, MedGen C0346153, MONDO:0016419, OMIM 114480. Disease mechanism: loss of function.
Hereditary cancer-predisposing syndrome. Also called: Neoplastic Syndromes, Hereditary; Hereditary neoplastic syndrome; Tumor predisposition; Hereditary Cancer Syndrome. Identifiers: Orphanet 140162, MedGen C0027672, MeSH D009386, MONDO:0015356.
Hereditary diffuse gastric adenocarcinoma (HDGC). Also called: DIFFUSE GASTRIC AND LOBULAR BREAST CANCER SYNDROME. Identifiers: Orphanet 26106, MedGen C1708349, MONDO:0007648, OMIM 137215.

Allele frequency attached by ClinVar (database versions not stated): gnomAD exomes below 0.00001; TOPMed below 0.00001.
gnomAD v4.1: 2 of 1,614,138 alleles (0.00012%); highest among the groups gnomAD compares: Non-Finnish European, 0.00017%; no homozygotes.

Submissions (5):

Ambry Genetics
Classification: Uncertain significance for Hereditary cancer-predisposing syndrome. Last evaluated: 2025-08-05. Review status: criteria provided, single submitter. Criteria: Ambry Variant Classification Scheme 2023. Collection method: clinical testing. Allele origin: germline.

Color Diagnostics, LLC DBA Color Health
Classification: Uncertain significance for Hereditary cancer-predisposing syndrome. Last evaluated: 2024-11-14. Review status: criteria provided, single submitter. Criteria: ACMG Guidelines, 2015. Collection method: clinical testing. Allele origin: germline.
Comment: This missense variant replaces asparagine with serine at codon 591 of the CDH1 protein. To our knowledge, functional studies have not been reported for this variant. This variant has not been reported in individuals affected with CDH1-related disorders in the literature. This variant has not been identified in the general population by the Genome Aggregation Database (gnomAD). The available evidence is insufficient to determine the role of this variant in disease conclusively. Therefore, this variant is classified as a Variant of Uncertain Significance.

Labcorp Genetics (formerly Invitae), Labcorp
Classification: Uncertain significance for Hereditary diffuse gastric adenocarcinoma. Last evaluated: 2023-10-18. Review status: criteria provided, single submitter. Criteria: Invitae Variant Classification Sherloc (09022015). Collection method: clinical testing. Allele origin: germline.
Comment: This sequence change replaces asparagine, which is neutral and polar, with serine, which is neutral and polar, at codon 591 of the CDH1 protein (p.Asn591Ser). This variant is not present in population databases (gnomAD no frequency). This variant has not been reported in the literature in individuals affected with CDH1-related conditions. ClinVar contains an entry for this variant (Variation ID: 532437). An algorithm developed to predict the effect of missense changes on protein structure and function (PolyPhen-2) suggests that this variant is likely to be tolerated. In summary, the available evidence is currently insufficient to determine the role of this variant in disease. Therefore, it has been classified as a Variant of Uncertain Significance.

Baylor Genetics
Classification: Uncertain significance for Familial cancer of breast. Last evaluated: 2023-08-05. Review status: criteria provided, single submitter. Criteria: ACMG Guidelines, 2015. Collection method: clinical testing. Allele origin: unknown.

Women's Health and Genetics/Laboratory Corporation of America, LabCorp
Classification: Uncertain significance. Last evaluated: 2022-08-04. Review status: criteria provided, single submitter. Criteria: LabCorp Variant Classification Summary - May 2015. Collection method: clinical testing. Allele origin: germline.
Comment: Variant summary: CDH1 c.1772A>G (p.Asn591Ser) results in a conservative amino acid change located in the Cadherin-like domain of the encoded protein sequence. Three of five in-silico tools predict a benign effect of the variant on protein function. The variant was absent in 251488 control chromosomes. The available data on variant occurrences in the general population are insufficient to allow any conclusion about variant significance. To our knowledge, no occurrence of c.1772A>G in individuals affected with Hereditary Diffuse Gastric Cancer and no experimental evidence demonstrating its impact on protein function have been reported. Two clinical diagnostic laboratories have submitted clinical-significance assessments for this variant to ClinVar after 2014 without evidence for independent evaluation. All laboratories classified the variant as uncertain significance. Based on the evidence outlined above, the variant was classified as uncertain significance.

NM_004360.5(CDH1):c.1772A>G (p.Asn591Ser)

Gene: CDH1 (cadherin 1; plus strand). Cytogenetic location: 16q22.1.
Variant type: single nucleotide variant.
Coding change: c.1772A>G on transcript NM_004360.5 (MANE Select); coding-DNA position 1772, A replaced by G.
Protein change: p.Asn591Ser; replaces asparagine 591 with serine.
Molecular consequence: missense variant. On other transcripts: 5 prime UTR variant (1).
Genome position (GRCh38, 1-based): chr16:68,822,061, A>G. VCF-style: chr16-68822061-A-G. GRCh37 (hg19) VCF-style: chr16-68855964-A-G.
Other names: c.1772A>G (LRG_301t1); c.1589A>G, p.Asn530Ser (NM_001317184.2); c.224A>G, p.Asn75Ser (NM_001317185.2); c.-194A>G (NM_001317186.2); short protein forms N591S, N530S, N75S.
Identifiers: ClinVar variation 532437 (VCV000532437.20), dbSNP rs1555516835, ClinGen allele CA396466580.